The following is an entry in ClinVar:

NM_001080414.4(CCDC88C):c.5323C>T (p.Gln1775Ter)

Gene: CCDC88C (coiled-coil and HOOK domain protein 88C; minus strand). Cytogenetic location: 14q32.11.
Variant type: single nucleotide variant.
Coding change: c.5323C>T on transcript NM_001080414.4 (MANE Select); coding-DNA position 5323, C replaced by T.
Protein change: p.Gln1775Ter; replaces glutamine 1775 with a stop codon.
Molecular consequence: nonsense. On other transcripts: non-coding transcript variant (2).
Genome position (GRCh38, 1-based): chr14:91,273,389, G>A on the plus strand (C>T on the coding strand, the complement: CCDC88C is on the minus strand). VCF-style: chr14-91273389-G-A. GRCh37 (hg19) VCF-style: chr14-91739733-G-A.
Other names: short protein forms Q1775*.
Identifiers: ClinVar variation 4752885 (VCV004752885.1).

ClinVar aggregate classification (germline): Pathogenic (1 of 4 stars; one submission).

Submission:

Labcorp Genetics (formerly Invitae), Labcorp
Classification: Pathogenic. Last evaluated: 2026-01-03. Review status: criteria provided, single submitter. Criteria: Invitae Variant Classification Sherloc (09022015). Collection method: clinical testing. Allele origin: germline.
Comment: This sequence change creates a premature translational stop signal (p.Gln1775*) in the CCDC88C gene. While this is not anticipated to result in nonsense mediated decay, it is expected to disrupt the last 254 amino acid(s) of the CCDC88C protein. This variant is not present in population databases (gnomAD no frequency). This variant has not been reported in the literature in individuals affected with CCDC88C-related conditions. This variant disrupts a region of the CCDC88C protein in which other variant(s) (p.Glu1949Glyfs*26) have been determined to be pathogenic (PMID: 23042809). This suggests that this is a clinically significant region of the protein, and that variants that disrupt it are likely to be disease-causing. For these reasons, this variant has been classified as Pathogenic.

Literature cited by the submitters: PubMed 23042809.